The following is an entry in ClinVar:

NM_001244008.2(KIF1A):c.5214+4C>A

Gene: KIF1A (kinesin family member 1A; minus strand). Cytogenetic location: 2q37.3.
Variant type: single nucleotide variant.
Coding change: c.5214+4C>A on transcript NM_001244008.2 (MANE Select); 4 bases into the intron after coding-DNA position 5214, C replaced by A.
Molecular consequence: intron variant.
Genome position (GRCh38, 1-based): chr2:240,719,002, G>T on the plus strand (C>A on the coding strand, the complement: KIF1A is on the minus strand). VCF-style: chr2-240719002-G-T. GRCh37 (hg19) VCF-style: chr2-241658419-G-T.
Other names: c.4911+4C>A (NM_001379653.1, NM_001379650.1, NM_004321.8 and 1 more transcripts); c.5187+4C>A (NM_001379645.1, NM_001379633.1); c.5037+4C>A (NM_001379635.1, NM_001379646.1); c.4908+4C>A (NM_001379640.1); c.4875+40C>A (NM_001379641.1); c.4935+4C>A (NM_001379639.1); c.4938+4C>A (NM_001379649.1, NM_001320705.2); c.5025+4C>A (NM_001379636.1); and 8 more.
Identifiers: ClinVar variation 1399013 (VCV001399013.8), dbSNP rs1173881899, ClinGen allele CA540752751.

ClinVar aggregate classification (germline): Uncertain significance. Review status: criteria provided, multiple submitters, no conflicts (2 of 4 stars). 2 submissions from 2 submitters: Uncertain significance (2). Last evaluated 2021-07-06.

Conditions:
Inborn genetic diseases. Identifiers: MedGen C0950123, MeSH D030342.
Hereditary spastic paraplegia 30. Identifiers: Orphanet 101010, MedGen C5235139, MONDO:0012476.
Neuropathy, hereditary sensory, type 2C. Also called: Hereditary sensory and autonomic neuropathy type IIC; KIF1A-Related HSAN2 (HSAN2C). Identifiers: Orphanet 970, MedGen C3280168, MONDO:0013634, OMIM 614213.
Intellectual disability, autosomal dominant 9 (NESCAVS). Also called: NESCAV SYNDROME; KIF1A-Related Neurodevelopmental Disorder. Identifiers: Orphanet 662367, MedGen C5393830, MONDO:0013656, OMIM 614255.

Submissions (2):

Labcorp Genetics (formerly Invitae), Labcorp
Classification: Uncertain significance for Hereditary spastic paraplegia 30; Neuropathy, hereditary sensory, type 2C; Intellectual disability, autosomal dominant 9. Last evaluated: 2021-07-06. Review status: criteria provided, single submitter. Criteria: Invitae Variant Classification Sherloc (09022015). Collection method: clinical testing. Allele origin: germline.
Comment: In summary, the available evidence is currently insufficient to determine the role of this variant in disease. Therefore, it has been classified as a Variant of Uncertain Significance. Nucleotide substitutions within the consensus splice site are a relatively common cause of aberrant splicing (PMID: 17576681, 9536098). Algorithms developed to predict the effect of sequence changes on RNA splicing suggest that this variant may create or strengthen a splice site, but this prediction has not been confirmed by published transcriptional studies. This variant has not been reported in the literature in individuals with KIF1A-related conditions. This variant is not present in population databases (ExAC no frequency). This sequence change falls in intron 44 of the KIF1A gene. It does not directly change the encoded amino acid sequence of the KIF1A protein. It affects a nucleotide within the consensus splice site of the intron.

Ambry Genetics
Classification: Uncertain significance for Inborn genetic diseases. Last evaluated: 2019-11-02. Review status: criteria provided, single submitter. Criteria: Ambry Variant Classification Scheme 2023. Collection method: clinical testing. Allele origin: germline.
Comment: The c.5214+4C>A intronic variant results from a C to A substitution 4 nucleotides after coding exon 46 in the KIF1A gene. This nucleotide position is well conserved in available vertebrate species. Using the BDGP and ESEfinder splice site prediction tools, this alteration is not predicted to have any significant effect on this splice donor site; however, direct evidence is unavailable. Since supporting evidence is limited at this time, the clinical significance of this alteration remains unclear.

Literature cited by the submitters: PubMed 17576681 (cited by Labcorp Genetics (formerly Invitae), Labcorp); PubMed 9536098 (cited by Labcorp Genetics (formerly Invitae), Labcorp).